The following is an entry in ClinVar:

NM_001009944.3(PKD1):c.8514dup (p.Ile2839fs)

Gene: PKD1 (polycystin 1, transient receptor potential channel interacting; minus strand). Cytogenetic location: 16p13.3.
Variant type: Duplication.
Coding change: c.8514dup on transcript NM_001009944.3 (MANE Select); coding-DNA position 8514, one base duplicated (T; older notation c.8514dupT).
Protein change: p.Ile2839fs; shifts the reading frame from isoleucine 2839.
Molecular consequence: frameshift variant.
Genome position (GRCh38, 1-based): chr16:2,103,543, A duplicated on the plus strand (T on the coding strand, the reverse complement: PKD1 is on the minus strand). VCF-style (leftmost placement, unchanged base first): chr16-2103542-T-TA. GRCh37 (hg19) VCF-style: chr16-2153543-T-TA.
Other names: c.8514dup, p.Ile2839fs (NM_000296.4); c.8514dupT (NM_001009944.2); short protein forms I2839fs.
Identifiers: ClinVar variation 3255036 (VCV003255036.2), dbSNP rs2544743893.
Genomic context (GRCh38, chr16:2,103,542, plus strand): 5'-CGCCGGCCTGTGTCTGGAATGCCATCGAGGCCACCTTGGTGGAGACGGTGTAGTTGCTGA[T>TA]ATAGCCAAAGGGAAAGGGATTGGAGTCCACCAGAAAGATGAGCTGCACCACGTCACTGAG-3'

ClinVar aggregate classification (germline): Pathogenic (1 of 4 stars; one submission).

Conditions:
Polycystic kidney disease, adult type (PKD1). Also called: Polycystic Kidney Disease 1, Autosomal Dominant; Polycystic kidney disease 1; Polycystic kidney disease 1, severe; POLYCYSTIC KIDNEY DISEASE, ADULT, TYPE I; Polycystic Kidney, Autosomal Dominant; POLYCYSTIC KIDNEY DISEASE 1 WITH OR WITHOUT POLYCYSTIC LIVER DISEASE. Identifiers: MedGen C3149841, MONDO:0008263, OMIM 173900.

Submission:

Victorian Clinical Genetics Services, Murdoch Childrens Research Institute
Classification: Pathogenic for Polycystic kidney disease, adult type. Last evaluated: 2024-09-22. Review status: criteria provided, single submitter. Criteria: ACMG Guidelines, 2015. Collection method: clinical testing. Allele origin: germline. Inheritance: Autosomal dominant inheritance. Affected: yes.
Comment: Based on the classification scheme VCGS_Germline_v1.3.4, this variant is classified as Pathogenic. Following criteria are met: 0102 - Loss of function is a known mechanism of disease in this gene and is associated with polycystic kidney disease 1 (MIM#173900). (I) 0107 - This gene is associated with autosomal dominant disease. Polycystic kidney disease 1 (MIM#173900) is predominantly caused by monoallelic variants, with rare reports of biallelic variants causing disease (OMIM). (I) 0201 - Variant is predicted to cause nonsense-mediated decay (NMD) and loss of protein (premature termination codon is located at least 54 nucleotides upstream of the final exon-exon junction). (SP) 0251 - This variant is heterozygous. (I) 0301 - Variant is absent from gnomAD (both v2 and v3). (SP) 0701 - Other NMD-predicted variants comparable to the one identified in this case have very strong previous evidence for pathogenicity. Many NMD-predicted variants have previously been reported as pathogenic (DECIPHER). (SP) 0807 - This variant has no previous evidence of pathogenicity. (I) 0905 - No published segregation evidence has been identified for this variant. (I) 1007 - No published functional evidence has been identified for this variant. (I) 1208 - Inheritance information for this variant is not currently available in this individual. (I) Legend: (SP) - Supporting pathogenic, (I) - Information, (SB) - Supporting benign